The following is an entry in ClinVar:

NM_000092.5(COL4A4):c.614G>T (p.Gly205Val)

Gene: COL4A4 (collagen type IV alpha 4 chain; minus strand). Cytogenetic location: 2q36.3.
Variant type: single nucleotide variant.
Coding change: c.614G>T on transcript NM_000092.5 (MANE Select); coding-DNA position 614, G replaced by T.
Protein change: p.Gly205Val; replaces glycine 205 with valine.
Molecular consequence: missense variant.
Genome position (GRCh38, 1-based): chr2:227,109,267, C>A on the plus strand (G>T on the coding strand, the complement: COL4A4 is on the minus strand). VCF-style: chr2-227109267-C-A. GRCh37 (hg19) VCF-style: chr2-227973983-C-A.
Other names: short protein forms G205V.
Identifiers: ClinVar variation 1179080 (VCV001179080.6), dbSNP rs2061040474, ClinGen allele CA350859828.

ClinVar aggregate classification (germline): Conflicting classifications of pathogenicity. Review status: criteria provided, conflicting classifications (1 of 4 stars). 2 submissions from 2 submitters: Likely pathogenic (1); Uncertain significance (1). Last evaluated 2024-08-03.

Conditions:
Autosomal recessive Alport syndrome (ATS2). Also called: COL4A3-Related Nephropathy; COL4A4 Alport Syndrome and Thin Basement Membrane Nephropathy; ALPORT SYNDROME 2, AUTOSOMAL RECESSIVE; Alport syndrome type 2. Identifiers: Orphanet 63, Orphanet 88919, MedGen C4746745, MONDO:0008762, OMIM 203780.
Hematuria, benign familial, 1 (BFH1). Also called: THIN MEMBRANE NEPHROPATHY. Identifiers: MedGen CN376803, MONDO:0007709, OMIM 141200.

Allele frequency attached by ClinVar (database versions not stated): gnomAD 0.00001.
gnomAD v4.1: 1 of 1,613,964 alleles (0.000062%); highest among the groups gnomAD compares: Admixed American, 0.0017%; no homozygotes.

Submissions (2):

Labcorp Genetics (formerly Invitae), Labcorp
Classification: Uncertain significance. Last evaluated: 2024-08-03. Review status: criteria provided, single submitter. Criteria: Invitae Variant Classification Sherloc (09022015). Collection method: clinical testing. Allele origin: germline.
Comment: This sequence change replaces glycine, which is neutral and non-polar, with valine, which is neutral and non-polar, at codon 205 of the COL4A4 protein (p.Gly205Val). This variant is not present in population databases (gnomAD no frequency). This variant has not been reported in the literature in individuals affected with COL4A4-related conditions. ClinVar contains an entry for this variant (Variation ID: 1179080). Advanced modeling of protein sequence and biophysical properties (such as structural, functional, and spatial information, amino acid conservation, physicochemical variation, residue mobility, and thermodynamic stability) performed at Invitae indicates that this missense variant is expected to disrupt COL4A4 protein function with a positive predictive value of 95%. In summary, the available evidence is currently insufficient to determine the role of this variant in disease. Therefore, it has been classified as a Variant of Uncertain Significance.

Fulgent Genetics
Classification: Likely pathogenic for Hematuria, benign familial, 1; Autosomal recessive Alport syndrome. Last evaluated: 2024-04-17. Review status: criteria provided, single submitter. Criteria: ACMG Guidelines, 2015. Collection method: clinical testing. Allele origin: germline.